The following is an entry in ClinVar:

ClinVar aggregate classification (germline): Pathogenic (1 of 4 stars; one submission).

Conditions:
SDCCAG8-related disorder. Also called: SDCCAG8-Related Disorders; SDCCAG8-related condition.

Submission:

3billion
Classification: Pathogenic for SDCCAG8-related disorder. Last evaluated: 2025-08-12. Review status: criteria provided, single submitter. Criteria: ACMG Guidelines, 2015. Collection method: clinical testing. Allele origin: germline. Affected: yes.
Comment: The variant is not observed in the gnomAD v4.1.0 dataset. Predicted Consequence/Location: Stop-gained (nonsense): predicted to result in a loss or disruption of normal protein function through nonsense-mediated decay (NMD) or protein truncation. Multiple pathogenic variants are reported downstream of the variant. Therefore, this variant is classified as Pathogenic according to the recommendation of ACMG/AMP guideline.

NM_006642.5(SDCCAG8):c.1012G>T (p.Glu338Ter)

Gene: SDCCAG8 (SHH signaling and ciliogenesis regulator SDCCAG8; plus strand). Cytogenetic location: 1q43.
Variant type: single nucleotide variant.
Coding change: c.1012G>T on transcript NM_006642.5 (MANE Select); coding-DNA position 1012, G replaced by T.
Protein change: p.Glu338Ter; replaces glutamic acid 338 with a stop codon.
Molecular consequence: nonsense.
Genome position (GRCh38, 1-based): chr1:243,316,837, G>T. VCF-style: chr1-243316837-G-T. GRCh37 (hg19) VCF-style: chr1-243480139-G-T.
Other names: c.109G>T, p.Glu37Ter (NM_001350246.2, NM_001350247.2, NM_001350251.2); c.1108G>T, p.Glu370Ter (NM_001350248.2); c.718G>T, p.Glu240Ter (NM_001350249.2); short protein forms E240*, E338*, E37*, E370*.
Identifiers: ClinVar variation 4854418 (VCV004854418.1).